The following is an entry in ClinVar:

NM_020884.7(MYH7B):c.1713T>C (p.Pro571=)

Gene: MYH7B (myosin heavy chain 7B; plus strand). Cytogenetic location: 20q11.22.
Variant type: single nucleotide variant.
Coding change: c.1713T>C on transcript NM_020884.7 (MANE Select); coding-DNA position 1713, T replaced by C.
Protein change: p.Pro571=; no amino-acid change (proline 571 retained).
Molecular consequence: synonymous variant.
Genome position (GRCh38, 1-based): chr20:34,989,865, T>C. VCF-style: chr20-34989865-T-C. GRCh37 (hg19) VCF-style: chr20-33577668-T-C.
Identifiers: ClinVar variation 734871 (VCV000734871.12), dbSNP rs144507206, ClinGen allele CA9827039.

ClinVar aggregate classification (germline): Benign. Review status: criteria provided, multiple submitters, no conflicts (2 of 4 stars). 3 submissions from 3 submitters: Benign (2). 1 of the submissions does not count toward it. Last evaluated 2025-11-24.

Conditions:
MYH7B-related disorder. Also called: MYH7B-related condition.

Allele frequency attached by ClinVar (database versions not stated): gnomAD exomes 0.00033 and 0.00064; ExAC 0.00080; gnomAD 0.00184 and 0.00199; TOPMed 0.00208; ESP Exome Variant Server 0.00239; 1000 Genomes Project 0.00260; 1000 Genomes Project 30x 0.00265.
gnomAD v4.1: 797 of 1,614,146 alleles (0.049%); highest among the groups gnomAD compares: African/African-American, 0.6%; 1 homozygote.

Submissions (3):

Labcorp Genetics (formerly Invitae), Labcorp
Classification: Benign. Last evaluated: 2025-11-24. Review status: criteria provided, single submitter. Criteria: Invitae Variant Classification Sherloc (09022015). Collection method: clinical testing. Allele origin: germline.

Breakthrough Genomics
Classification: Benign. Review status: criteria provided, single submitter. Criteria: ACMG Guidelines, 2015. Collection method: not provided. Allele origin: germline. Inheritance: Unknown mechanism. Affected: yes.

PreventionGenetics, part of Exact Sciences
Classification: Likely benign for MYH7B-related condition. Last evaluated: 2023-12-07. Review status: no assertion criteria provided. Collection method: clinical testing. Allele origin: germline. Not counted in ClinVar's aggregate classification.
Comment: This variant is classified as likely benign based on ACMG/AMP sequence variant interpretation guidelines (Richards et al. 2015 PMID: 25741868, with internal and published modifications).